The following is an entry in ClinVar:

ClinVar aggregate classification (germline): Likely benign. Review status: criteria provided, multiple submitters, no conflicts (2 of 4 stars). 5 submissions from 5 submitters: Likely benign (4). 1 of the submissions does not count toward it. Last evaluated 2025-12-13.

Conditions:
MYLK-related disorder. Also called: MYLK-related condition.
Familial thoracic aortic aneurysm and aortic dissection (TAAD). Also called: Thoracic aortic aneurysms and dissections. Identifiers: Orphanet 91387, MedGen C4707243, MONDO:0019625.
Aortic aneurysm, familial thoracic 7 (AAT7). Also called: AORTIC DISSECTION, FAMILIAL, WITH OR WITHOUT AORTIC ANEURYSM. Identifiers: MedGen C3151077, MONDO:0013418, OMIM 613780.

Allele frequency attached by ClinVar (database versions not stated): gnomAD 0.00007 and 0.00006; gnomAD exomes 0.00011 and 0.00004; ExAC 0.00006.
gnomAD v4.1: 171 of 1,609,582 alleles (0.011%); highest among the groups gnomAD compares: Non-Finnish European, 0.013%; no homozygotes.

Submissions (5):

Labcorp Genetics (formerly Invitae), Labcorp
Classification: Likely benign for Aortic aneurysm, familial thoracic 7. Last evaluated: 2025-12-13. Review status: criteria provided, single submitter. Criteria: Invitae Variant Classification Sherloc (09022015). Collection method: clinical testing. Allele origin: germline.

CeGaT Center for Human Genetics Tuebingen
Classification: Likely benign. Last evaluated: 2024-10-01. Review status: criteria provided, single submitter. Criteria: CeGaT Center For Human Genetics Tuebingen Variant Classification Criteria Version 2. Collection method: clinical testing. Allele origin: germline. Affected: yes. Observed: 1 variant allele.
Comment: MYLK: BP4, BP7

GeneDx
Classification: Likely benign. Last evaluated: 2021-01-09. Review status: criteria provided, single submitter. Criteria: GeneDx Variant Classification Process June 2021. Collection method: clinical testing. Allele origin: germline. Affected: yes.

Ambry Genetics
Classification: Likely benign for Familial thoracic aortic aneurysm and aortic dissection. Last evaluated: 2020-08-26. Review status: criteria provided, single submitter. Criteria: Ambry Variant Classification Scheme 2023. Collection method: clinical testing. Allele origin: germline.

PreventionGenetics, part of Exact Sciences
Classification: Likely benign for MYLK-related condition. Last evaluated: 2024-09-20. Review status: no assertion criteria provided. Collection method: clinical testing. Allele origin: germline. Not counted in ClinVar's aggregate classification.
Comment: This variant is classified as likely benign based on ACMG/AMP sequence variant interpretation guidelines (Richards et al. 2015 PMID: 25741868, with internal and published modifications).

NM_053025.4(MYLK):c.5715T>G (p.Gly1905=)

Genes: MYLK (myosin light chain kinase; minus strand), MYLK-AS1 (MYLK antisense RNA 1; plus strand). Cytogenetic location: 3q21.1.
Variant type: single nucleotide variant.
Coding change: c.5715T>G on transcript NM_053025.4 (MANE Select); coding-DNA position 5715, T replaced by G.
Protein change: p.Gly1905=; no amino-acid change (glycine 1905 retained).
Molecular consequence: synonymous variant.
Genome position (GRCh38, 1-based): chr3:123,614,135, A>C on the plus strand (T>G on the coding strand, the complement: MYLK is on the minus strand). VCF-style: chr3-123614135-A-C. GRCh37 (hg19) VCF-style: chr3-123332982-A-C.
Other names: c.5187T>G, p.Gly1729= (NM_001321309.2); c.5508T>G, p.Gly1836= (NM_053026.4); c.5562T>G, p.Gly1854= (NM_053027.4); c.5355T>G, p.Gly1785= (NM_053028.4); c.432T>G, p.Gly144= (NM_053031.4); c.435T>G, p.Gly145= (NM_053032.4).
Identifiers: ClinVar variation 511342 (VCV000511342.28), dbSNP rs753024354, ClinGen allele CA073221.